The following is an entry in ClinVar:

ClinVar aggregate classification (germline): Pathogenic (1 of 4 stars; one submission).

Conditions:
Autosomal recessive early-onset Parkinson disease 6 (PARK6). Also called: PINK1-Related Parkinson Disease; PARKINSON DISEASE 6, MODIFIER OF; PARKINSON DISEASE 6, EARLY-ONSET; PINK1 Type of Young-Onset Parkinson Disease. Identifiers: Orphanet 2828, MedGen C1853833, MONDO:0011613, OMIM 605909.

gnomAD v4.1: 14 of 1,614,050 alleles (0.00087%); highest among the groups gnomAD compares: South Asian, 0.0033%; no homozygotes.

Submission:

Labcorp Genetics (formerly Invitae), Labcorp
Classification: Pathogenic for Autosomal recessive early-onset Parkinson disease 6. Last evaluated: 2025-04-11. Review status: criteria provided, single submitter. Criteria: Invitae Variant Classification Sherloc (09022015). Collection method: clinical testing. Allele origin: germline.
Comment: This sequence change creates a premature translational stop signal (p.Arg207*) in the PINK1 gene. It is expected to result in an absent or disrupted protein product. Loss-of-function variants in PINK1 are known to be pathogenic (PMID: 15087508, 15349870). This variant is present in population databases (rs774272854, gnomAD 0.006%). This premature translational stop signal has been observed in individual(s) with Parkinson disease (PMID: 37750340). For these reasons, this variant has been classified as Pathogenic.

Literature cited by the submitters: PubMed 15087508; PubMed 15349870; PubMed 37750340.

NM_032409.3(PINK1):c.619C>T (p.Arg207Ter)

Gene: PINK1 (PTEN induced kinase 1; plus strand). Cytogenetic location: 1p36.12.
Variant type: single nucleotide variant.
Coding change: c.619C>T on transcript NM_032409.3 (MANE Select); coding-DNA position 619, C replaced by T.
Protein change: p.Arg207Ter; replaces arginine 207 with a stop codon.
Molecular consequence: nonsense.
Genome position (GRCh38, 1-based): chr1:20,638,073, C>T. VCF-style: chr1-20638073-C-T. GRCh37 (hg19) VCF-style: chr1-20964566-C-T.
Other names: short protein forms R207*.
Identifiers: ClinVar variation 4753796 (VCV004753796.1).
Genomic context (GRCh38, chr1:20,638,073, plus strand): 5'-AGCACCGGGTTGCTTCCAGGGAGAGGCCCAGGTACCAGTGCACCAGGAGAAGGGCAGGAG[C>T]GAGCTCCGGGGGCCCCTGCCTTCCCCTTGGCCATCAAGATGATGTGGAACATCTCGGTAA-3'